The following is an entry in ClinVar:

NM_000426.4(LAMA2):c.8556_8558del (p.Ile2852del)

Gene: LAMA2 (laminin subunit alpha 2; plus strand). Cytogenetic location: 6q22.33.
Variant type: Deletion.
Coding change: c.8556_8558del on transcript NM_000426.4 (MANE Select); coding-DNA positions 8556 to 8558, 3 bases deleted (AAT; older notation c.8556_8558delAAT).
Protein change: p.Ile2852del; deletes isoleucine 2852.
Molecular consequence: inframe deletion.
Genome position (GRCh38, 1-based): chr6:129,505,208-129,505,210, AAT deleted; deleting any 3 consecutive bases within chr6:129,505,206-129,505,210 gives the same sequence; the c. name uses the placement nearest the transcript's 3' end. VCF-style (leftmost placement, unchanged base first): chr6-129505205-GATA-G. GRCh37 (hg19) VCF-style: chr6-129826350-GATA-G.
Other names: c.8544_8546del, p.Ile2848del (NM_001079823.2); c.8556_8558delAAT (NM_000426.3); short protein forms I2852del, I2848del.
Identifiers: ClinVar variation 92992 (VCV000092992.12), dbSNP rs398123389, ClinGen allele CA220813.

ClinVar aggregate classification (germline): Conflicting classifications of pathogenicity. Review status: criteria provided, conflicting classifications (1 of 4 stars). 4 submissions from 4 submitters: Likely pathogenic (2); Uncertain significance (2). Last evaluated 2024-11-18.

Conditions:
LAMA2-related muscular dystrophy (LAMA2-RD). Also called: Laminin alpha 2-related dystrophy. Identifiers: MedGen C5679788, MONDO:0100228.
Merosin deficient congenital muscular dystrophy (MDC1A). Also called: Congenital merosin-deficient muscular dystrophy 1A; Congenital Muscular Dystrophy Type 1A (MDC1A). Identifiers: Orphanet 258, MedGen C1263858, MONDO:0011925, OMIM 607855.

Submissions (4):

Labcorp Genetics (formerly Invitae), Labcorp
Classification: Uncertain significance for LAMA2-related muscular dystrophy. Last evaluated: 2024-11-18. Review status: criteria provided, single submitter. Criteria: Invitae Variant Classification Sherloc (09022015). Collection method: clinical testing. Allele origin: germline.
Comment: This variant, c.8556_8558del, results in the deletion of 1 amino acid(s) of the LAMA2 protein (p.Ile2852del), but otherwise preserves the integrity of the reading frame. This variant is not present in population databases (gnomAD no frequency). This variant has been observed in individual(s) with LAMA2-related conditions (PMID: 30055037). ClinVar contains an entry for this variant (Variation ID: 92992). In summary, the available evidence is currently insufficient to determine the role of this variant in disease. Therefore, it has been classified as a Variant of Uncertain Significance.

Baylor Genetics
Classification: Likely pathogenic for Merosin deficient congenital muscular dystrophy. Last evaluated: 2022-12-14. Review status: criteria provided, single submitter. Criteria: ACMG Guidelines, 2015. Collection method: clinical testing. Allele origin: unknown.

Mendelics
Classification: Likely pathogenic for Merosin deficient congenital muscular dystrophy. Last evaluated: 2019-05-28. Review status: criteria provided, single submitter. Criteria: Mendelics Assertion Criteria 2017. Collection method: clinical testing. Allele origin: unknown.

Eurofins Ntd Llc (ga)
Classification: Uncertain significance. Last evaluated: 2013-05-21. Review status: criteria provided, single submitter. Criteria: EGL Classification Definitions 2015. Collection method: clinical testing. Allele origin: germline. Observed: 1 variant allele, 1 heterozygote.

Literature cited by the submitters: PubMed 30055037 (cited by Labcorp Genetics (formerly Invitae), Labcorp).